The following is an entry in ClinVar:

ClinVar aggregate classification (germline): Pathogenic (1 of 4 stars; one submission).

Conditions:
Primary ciliary dyskinesia 3. Identifiers: Orphanet 244, MedGen C1837618, MONDO:0012085, OMIM 608644.

Submission:

Myriad Genetics, Inc.
Classification: Pathogenic for Primary ciliary dyskinesia 3. Last evaluated: 2023-08-06. Review status: criteria provided, single submitter. Criteria: Myriad Autosomal Dominant, Autosomal Recessive and X-Linked Classification Criteria (2023). Collection method: clinical testing. Allele origin: unknown.
Comment: NM_001369.2(DNAH5):c.5638_5651del14(S1880Efs*17) is expected to be pathogenic in the context of primary ciliary dyskinesia, DNAH5-related. This variant is predicted to lead to an abnormal or absent protein product due to the creation of a premature termination codon in DNAH5, a gene where loss-of-function variants are known to be pathogenic. Please note: this variant was assessed in the context of healthy population screening.

NM_001369.3(DNAH5):c.5638_5651del (p.Ser1880fs)

Gene: DNAH5 (dynein axonemal heavy chain 5; minus strand). Cytogenetic location: 5p15.2.
Variant type: Deletion.
Coding change: c.5638_5651del on transcript NM_001369.3 (MANE Select); coding-DNA positions 5638 to 5651, 14 bases deleted (TCCACGGAACGAGT).
Protein change: p.Ser1880fs; shifts the reading frame from serine 1880.
Molecular consequence: frameshift variant.
Genome position (GRCh38, 1-based): chr5:13,840,964-13,840,977, ACTCGTTCCGTGGA deleted on the plus strand (TCCACGGAACGAGT on the coding strand, the reverse complement: DNAH5 is on the minus strand); deleting any 14 consecutive bases within chr5:13,840,964-13,840,981 gives the same sequence; the c. name uses the placement nearest the transcript's 3' end. VCF-style (leftmost placement, unchanged base first): chr5-13840963-CACTCGTTCCGTGGA-C. GRCh37 (hg19) VCF-style: chr5-13841072-CACTCGTTCCGTGGA-C.
Other names: short protein forms S1880fs.
Identifiers: ClinVar variation 5011243 (VCV005011243.1).
Genomic context (GRCh38, chr5:13,840,963, plus strand): 5'-TACCAGGTCATCAAAGATATCCCTTTGGTGCACATGAATAGTAATCAGAGTCTCGTATTT[CACTCGTTCCGTGGA>C]ACTCAGATCCCTCGTGGTGACGTCTATCAATGTATTGAGTAGCTCCAGGAAAGCCTGATT-3'